The following is an entry in ClinVar:

NM_004517.4(ILK):c.766G>A (p.Ala256Thr)

Genes: ILK (integrin linked kinase; plus strand), TAF10 (TATA-box binding protein associated factor 10; minus strand). Cytogenetic location: 11p15.4.
Variant type: single nucleotide variant.
Coding change: c.766G>A on transcript NM_004517.4 (MANE Select); coding-DNA position 766, G replaced by A.
Protein change: p.Ala256Thr; replaces alanine 256 with threonine.
Molecular consequence: missense variant. On other transcripts: 3 prime UTR variant (1).
Genome position (GRCh38, 1-based): chr11:6,609,549, G>A. VCF-style: chr11-6609549-G-A. GRCh37 (hg19) VCF-style: chr11-6630780-G-A.
Other names: c.766G>A, p.Ala256Thr (NM_001014794.3, NM_001014795.3); c.583G>A, p.Ala195Thr (NM_001278441.2); c.364G>A, p.Ala122Thr (NM_001278442.2); c.*1373C>T (NM_006284.4); short protein forms A195T, A122T, A256T.
Identifiers: ClinVar variation 1034581 (VCV001034581.9), dbSNP rs779240233, ClinGen allele CA379462315.
Genomic context (GRCh38, chr11:6,609,549, plus strand): 5'-CAACCACTCCCTCCCTCTTCTAGGATTTTCTCGCATCCAAATGTGCTCCCAGTGCTAGGT[G>A]CCTGCCAGTCTCCACCTGCTCCTCATCCTACTCTCATCACACACTGGATGCCGTATGGAT-3'
Protein context (NP_004508.1, residues 246-266): SHPNVLPVLG[Ala256Thr]CQSPPAPHPT

ClinVar aggregate classification (germline): Uncertain significance (1 of 4 stars; one submission).

Conditions:
Primary familial hypertrophic cardiomyopathy (HCM). Identifiers: Orphanet 99739, MedGen C0949658, MeSH D024741, MONDO:0024573. Inheritance: Various modes of inheritance.

Submission:

Labcorp Genetics (formerly Invitae), Labcorp
Classification: Uncertain significance for Primary familial hypertrophic cardiomyopathy. Last evaluated: 2020-04-23. Review status: criteria provided, single submitter. Criteria: Invitae Variant Classification Sherloc (09022015). Collection method: clinical testing. Allele origin: germline.
Comment: In summary, the available evidence is currently insufficient to determine the role of this variant in disease. Therefore, it has been classified as a Variant of Uncertain Significance. Algorithms developed to predict the effect of missense changes on protein structure and function (SIFT, PolyPhen-2, Align-GVGD) all suggest that this variant is likely to be disruptive, but these predictions have not been confirmed by published functional studies and their clinical significance is uncertain. This variant has not been reported in the literature in individuals with ILK-related conditions. This variant is not present in population databases (ExAC no frequency). This sequence change replaces alanine with threonine at codon 256 of the ILK protein (p.Ala256Thr). The alanine residue is highly conserved and there is a small physicochemical difference between alanine and threonine.